The following is an entry in ClinVar:

NM_001430.5(EPAS1):c.1646A>T (p.Glu549Val)

Gene: EPAS1 (endothelial PAS domain protein 1; plus strand). Cytogenetic location: 2p21.
Variant type: single nucleotide variant.
Coding change: c.1646A>T on transcript NM_001430.5 (MANE Select); coding-DNA position 1646, A replaced by T.
Protein change: p.Glu549Val; replaces glutamic acid 549 with valine.
Molecular consequence: missense variant.
Genome position (GRCh38, 1-based): chr2:46,380,318, A>T. VCF-style: chr2-46380318-A-T. GRCh37 (hg19) VCF-style: chr2-46607457-A-T.
Other names: short protein forms E549V.
Identifiers: ClinVar variation 2626656 (VCV002626656.3), dbSNP rs2546476825, ClinGen allele CA346704583.
Genomic context (GRCh38, chr2:46,380,318, plus strand): 5'-TGGCACCCTATATCCCCATGGACGGGGAAGACTTCCAGCTAAGCCCCATCTGCCCCGAGG[A>T]GCGGCTCTTGGCGGAGAACCCACAGTCCACCCCCCAGCACTGCTTCAGTGCCATGACAAA-3'
Protein context (NP_001421.2, residues 539-559): DFQLSPICPE[Glu549Val]RLLAENPQST

ClinVar aggregate classification (germline): Uncertain significance. Review status: criteria provided, multiple submitters, no conflicts (2 of 4 stars). 2 submissions from 2 submitters: Uncertain significance (2). Last evaluated 2023-07-29.

Conditions:
Inborn genetic diseases. Identifiers: MedGen C0950123, MeSH D030342.

Submissions (2):

Ambry Genetics
Classification: Uncertain significance for Inborn genetic diseases. Last evaluated: 2023-07-29. Review status: criteria provided, single submitter. Criteria: Ambry Variant Classification Scheme 2023. Collection method: clinical testing. Allele origin: germline.
Comment: The p.E549V variant (also known as c.1646A>T), located in coding exon 12 of the EPAS1 gene, results from an A to T substitution at nucleotide position 1646. The glutamic acid at codon 549 is replaced by valine, an amino acid with dissimilar properties. This amino acid position is conserved. In addition, the in silico prediction for this alteration is inconclusive. Since supporting evidence is limited at this time, the clinical significance of this alteration remains unclear.

Blueprint Genetics
Classification: Uncertain significance. Last evaluated: 2022-05-25. Review status: criteria provided, single submitter. Criteria: ACMG Guidelines, 2015. Collection method: clinical testing. Allele origin: germline.